The following is an entry in ClinVar:

ClinVar aggregate classification (germline): Pathogenic (1 of 4 stars; one submission).

Submission:

Labcorp Genetics (formerly Invitae), Labcorp
Classification: Pathogenic. Last evaluated: 2017-09-21. Review status: criteria provided, single submitter. Criteria: Invitae Variant Classification Sherloc (09022015). Collection method: clinical testing. Allele origin: germline.
Comment: This variant is not present in population databases (ExAC no frequency). For these reasons, this variant has been classified as Pathogenic. Loss-of-function variants in COL4A4 are known to be pathogenic (PMID: 11961012, 19129241, 24052634, 24854265). This variant has not been reported in the literature in individuals with COL4A4-related disease. This sequence change creates a premature translational stop signal (p.Gly590*) in the COL4A4 gene. It is expected to result in an absent or disrupted protein product.

Literature cited by the submitters: PubMed 11961012; PubMed 19129241; PubMed 24052634; PubMed 24854265.

NM_000092.5(COL4A4):c.1768G>T (p.Gly590Ter)

Gene: COL4A4 (collagen type IV alpha 4 chain; minus strand). Cytogenetic location: 2q36.3.
Variant type: single nucleotide variant.
Coding change: c.1768G>T on transcript NM_000092.5 (MANE Select); coding-DNA position 1768, G replaced by T.
Protein change: p.Gly590Ter; replaces glycine 590 with a stop codon.
Molecular consequence: nonsense.
Genome position (GRCh38, 1-based): chr2:227,080,478, C>A on the plus strand (G>T on the coding strand, the complement: COL4A4 is on the minus strand). VCF-style: chr2-227080478-C-A. GRCh37 (hg19) VCF-style: chr2-227945194-C-A.
Other names: short protein forms G590*.
Identifiers: ClinVar variation 1070032 (VCV001070032.7), dbSNP rs2150505661, ClinGen allele CA350847004.